The following is an entry in ClinVar:

ClinVar aggregate classification (germline): Likely benign. Review status: criteria provided, multiple submitters, no conflicts (2 of 4 stars). 5 submissions from 5 submitters: Likely benign (5). Last evaluated 2025-04-07.

Conditions:
Breast-ovarian cancer, familial, susceptibility to, 2 (BROVCA2). Also called: BRCA2 Hereditary Breast and Ovarian Cancer. Identifiers: Orphanet 145, MedGen C2675520, MONDO:0012933, OMIM 612555. Disease mechanism: loss of function.
Familial cancer of breast. Also called: BREAST CANCER, FAMILIAL; Hereditary breast cancer; hereditary breast carcinoma. Identifiers: Orphanet 227535, MedGen C0346153, MONDO:0016419, OMIM 114480. Disease mechanism: loss of function.
Hereditary breast ovarian cancer syndrome. Also called: Hereditary breast and ovarian cancer syndrome (HBOC); Breast and ovarian cancer; Hereditary breast and ovarian cancer syndrome; Hereditary breast and ovarian cancer; Hereditary breast and/or ovarian cancer syndrome; BRCA1- and BRCA2-Associated Hereditary Breast and Ovarian Cancer. Identifiers: Orphanet 145, MedGen C0677776, MeSH D061325, MONDO:0003582. Disease mechanism: loss of function.
Hereditary cancer-predisposing syndrome. Also called: Hereditary neoplastic syndrome; Neoplastic Syndromes, Hereditary; Tumor predisposition; Hereditary Cancer Syndrome. Identifiers: Orphanet 140162, MedGen C0027672, MeSH D009386, MONDO:0015356.

Allele frequency attached by ClinVar (database versions not stated): gnomAD below 0.00001 and 0.00001; gnomAD exomes below 0.00001.
gnomAD v4.1: 7 of 1,613,786 alleles (0.00043%); highest among the groups gnomAD compares: South Asian, 0.0077%; no homozygotes.

Submissions (5):

Labcorp Genetics (formerly Invitae), Labcorp
Classification: Likely benign for Hereditary breast ovarian cancer syndrome. Last evaluated: 2025-04-07. Review status: criteria provided, single submitter. Criteria: Invitae Variant Classification Sherloc (09022015). Collection method: clinical testing. Allele origin: germline.

All of Us Research Program, National Institutes of Health
Classification: Likely benign for Breast-ovarian cancer, familial, susceptibility to, 2. Last evaluated: 2024-01-11. Review status: criteria provided, single submitter. Criteria: ACMG Guidelines, 2015. Collection method: clinical testing. Allele origin: germline. Inheritance: Autosomal dominant inheritance. Observed: 2 variant alleles, 2 heterozygotes.
Comment: This study involves interpretation of variants in research participants for the purpose of population health screening. Participant phenotype was not available at the time of variant classification. Additional details can be found in publication PMID: 35346344, PMCID: PMC8962531

Department of Pathology and Laboratory Medicine, Sinai Health System
Classification: Likely benign for Familial cancer of breast; Breast-ovarian cancer, familial, susceptibility to, 2. Last evaluated: 2023-12-06. Review status: criteria provided, single submitter. Criteria: ACMG Guidelines, 2015. Collection method: clinical testing. Allele origin: germline. Affected: yes.

Women's Health and Genetics/Laboratory Corporation of America, LabCorp
Classification: Likely benign. Last evaluated: 2019-08-21. Review status: criteria provided, single submitter. Criteria: LabCorp Variant Classification Summary - May 2015. Collection method: clinical testing. Allele origin: germline.

Ambry Genetics
Classification: Likely benign for Hereditary cancer-predisposing syndrome. Last evaluated: 2016-09-27. Review status: criteria provided, single submitter. Criteria: Ambry Variant Classification Scheme 2023. Collection method: clinical testing. Allele origin: germline.

NM_000059.4(BRCA2):c.2787A>G (p.Leu929=)

Gene: BRCA2 (BRCA2 DNA repair associated; plus strand). Cytogenetic location: 13q13.1.
Variant type: single nucleotide variant.
Coding change: c.2787A>G on transcript NM_000059.4 (MANE Select); coding-DNA position 2787, A replaced by G.
Protein change: p.Leu929=; no amino-acid change (leucine 929 retained).
Molecular consequence: synonymous variant.
Genome position (GRCh38, 1-based): chr13:32,337,142, A>G. VCF-style: chr13-32337142-A-G. GRCh37 (hg19) VCF-style: chr13-32911279-A-G.
Identifiers: ClinVar variation 485414 (VCV000485414.17), dbSNP rs878853564, ClinGen allele CA483437414.